The following is an entry in ClinVar:

ClinVar aggregate classification (germline): Uncertain significance (1 of 4 stars; one submission).

Conditions:
Retinoblastoma (RB1). Also called: RETINOBLASTOMA, SOMATIC. Identifiers: Orphanet 790, MedGen C0035335, MeSH D012175, MONDO:0008380, OMIM 180200, HP:0009919. Disease mechanism: loss of function. Inheritance: Both sporadic and heritable forms are tested..

gnomAD v4.1: 5 of 1,508,376 alleles (0.00033%); highest among the groups gnomAD compares: Admixed American, 0.0041%; no homozygotes.

Submission:

Labcorp Genetics (formerly Invitae), Labcorp
Classification: Uncertain significance for Retinoblastoma. Last evaluated: 2026-01-31. Review status: criteria provided, single submitter. Criteria: Invitae Variant Classification Sherloc (09022015). Collection method: clinical testing. Allele origin: germline.
Comment: This variant occurs in a non-coding region of the RB1 gene. It does not change the encoded amino acid sequence of the RB1 protein. This variant is not present in population databases (gnomAD no frequency). This variant has not been reported in the literature in individuals affected with RB1-related conditions. ClinVar contains an entry for this variant (Variation ID: 3708254). In summary, the available evidence is currently insufficient to determine the role of this variant in disease. Therefore, it has been classified as a Variant of Uncertain Significance.

NM_000321.3(RB1):c.-43G>A

Gene: RB1 (RB transcriptional corepressor 1; plus strand). Cytogenetic location: 13q14.2.
Variant type: single nucleotide variant.
Coding change: c.-43G>A on transcript NM_000321.3 (MANE Select); 43 bases upstream of the start codon, G replaced by A.
Molecular consequence: 5 prime UTR variant.
Genome position (GRCh38, 1-based): chr13:48,303,870, G>A. VCF-style: chr13-48303870-G-A. GRCh37 (hg19) VCF-style: chr13-48878006-G-A.
Other names: c.-43G>A (NM_001407165.1, NM_001407166.1, NM_001407167.1).
Identifiers: ClinVar variation 3708254 (VCV003708254.2).